The following is an entry in ClinVar:

NM_001184.4(ATR):c.5758G>T (p.Val1920Phe)

Gene: ATR (ATR checkpoint kinase; minus strand). Cytogenetic location: 3q23.
Variant type: single nucleotide variant.
Coding change: c.5758G>T on transcript NM_001184.4 (MANE Select); coding-DNA position 5758, G replaced by T.
Protein change: p.Val1920Phe; replaces valine 1920 with phenylalanine.
Molecular consequence: missense variant.
Genome position (GRCh38, 1-based): chr3:142,496,501, C>A on the plus strand (G>T on the coding strand, the complement: ATR is on the minus strand). VCF-style: chr3-142496501-C-A. GRCh37 (hg19) VCF-style: chr3-142215343-C-A.
Other names: c.5566G>T, p.Val1856Phe (NM_001354579.2); short protein forms V1856F, V1920F.
Identifiers: ClinVar variation 2453530 (VCV002453530.2), dbSNP rs2108333870, ClinGen allele CA354813933.

ClinVar aggregate classification (germline): Uncertain significance (1 of 4 stars; one submission).

Conditions:
Inborn genetic diseases. Identifiers: MedGen C0950123, MeSH D030342.

Submission:

Ambry Genetics
Classification: Uncertain significance for Inborn genetic diseases. Last evaluated: 2022-11-23. Review status: criteria provided, single submitter. Criteria: Ambry Variant Classification Scheme 2023. Collection method: clinical testing. Allele origin: germline.
Comment: The p.V1920F variant (also known as c.5758G>T), located in coding exon 34 of the ATR gene, results from a G to T substitution at nucleotide position 5758. The valine at codon 1920 is replaced by phenylalanine, an amino acid with highly similar properties. This amino acid position is conserved. In addition, the in silico prediction for this alteration is inconclusive. Since supporting evidence is limited at this time, the clinical significance of this alteration remains unclear.